The following is an entry in ClinVar:

ClinVar aggregate classification (germline): Uncertain significance. Review status: criteria provided, multiple submitters, no conflicts (2 of 4 stars). 2 submissions from 2 submitters: Uncertain significance (2). Last evaluated 2024-05-29.

Conditions:
Isolated focal cortical dysplasia type II (FCORD2). Also called: Focal cortical dysplasia type II; CORTICAL DYSPLASIA OF TAYLOR. Identifiers: Orphanet 268994, MedGen C1846385, MONDO:0011818, OMIM 607341, HP:0032051.

Submissions (2):

Clinical Genomics Laboratory, Washington University in St. Louis
Classification: Uncertain significance for Isolated focal cortical dysplasia type II. Last evaluated: 2024-05-29. Review status: criteria provided, single submitter. Criteria: Leon-Quintero et al. (Clin Genet. 2025). Collection method: clinical testing. Allele origin: somatic.
Comment: An MTOR c.3562-1G>T variant was identified at an allelic fraction consistent with somatic origin. This variant, to our knowledge, has not been reported in the medical literature. This variant is absent from the general population (gnomAD v.4.1.0), indicating it is not a common variant. This variant occurs within the canonical splice site and is predicted to alter RNA splicing which typically leads to a loss of protein function. Currently there is insufficient evidence to determine whether loss-of-function variants lead to MTOR-related disorders. Due to limited information, and based on internally developed protocol informed by the ACMG/AMP guidelines for variant interpretation and gene-specific practices from the ClinGen Criteria Specification Registry (Leon-Quintero FZ et al., PMID: 39434542), the clinical significance of this variant is uncertain at this time.

Labcorp Genetics (formerly Invitae), Labcorp
Classification: Uncertain significance. Last evaluated: 2023-12-07. Review status: criteria provided, single submitter. Criteria: Invitae Variant Classification Sherloc (09022015). Collection method: clinical testing. Allele origin: germline.
Comment: This sequence change affects an acceptor splice site in intron 23 of the MTOR gene. It is expected to disrupt RNA splicing. Variants that disrupt the donor or acceptor splice site typically lead to a loss of protein function (PMID: 16199547), however the current clinical and genetic evidence is not sufficient to establish whether loss-of-function variants in MTOR cause disease. This variant is not present in population databases (gnomAD no frequency). This variant has not been reported in the literature in individuals affected with MTOR-related conditions. Algorithms developed to predict the effect of sequence changes on RNA splicing suggest that this variant may disrupt the consensus splice site. In summary, the available evidence is currently insufficient to determine the role of this variant in disease. Therefore, it has been classified as a Variant of Uncertain Significance.

Literature cited by the submitters: PubMed 16199547 (cited by Labcorp Genetics (formerly Invitae), Labcorp).

NM_004958.4(MTOR):c.3562-1G>T

Gene: MTOR (mechanistic target of rapamycin kinase; minus strand). Cytogenetic location: 1p36.22.
Variant type: single nucleotide variant.
Coding change: c.3562-1G>T on transcript NM_004958.4 (MANE Select); the canonical splice acceptor site of the intron before coding-DNA position 3562, G replaced by T.
Molecular consequence: splice acceptor variant.
Genome position (GRCh38, 1-based): chr1:11,210,907, C>A on the plus strand (G>T on the coding strand, the complement: MTOR is on the minus strand). VCF-style: chr1-11210907-C-A. GRCh37 (hg19) VCF-style: chr1-11270964-C-A.
Other names: c.2314-1G>T (NM_001386501.1); c.3562-1G>T (NM_001386500.1).
Identifiers: ClinVar variation 2824196 (VCV002824196.4), dbSNP rs2523092394, ClinGen allele CA338372443.